The following is an entry in ClinVar:

NM_006531.5(IFT88):c.110C>G (p.Ala37Gly)

Gene: IFT88 (intraflagellar transport 88; plus strand). Cytogenetic location: 13q12.11.
Variant type: single nucleotide variant.
Coding change: c.110C>G on transcript NM_006531.5 (MANE Select); coding-DNA position 110, C replaced by G.
Protein change: p.Ala37Gly; replaces alanine 37 with glycine.
Molecular consequence: missense variant. On other transcripts: 5 prime UTR variant (1), non-coding transcript variant (5).
Genome position (GRCh38, 1-based): chr13:20,582,976, C>G. VCF-style: chr13-20582976-C-G. GRCh37 (hg19) VCF-style: chr13-21157115-C-G.
Other names: c.110C>G, p.Ala37Gly (NM_001318491.2, NM_001353568.2, NM_001353571.2 and 5 more transcripts); c.137C>G, p.Ala46Gly (NM_001318493.2, NM_001353565.2, NM_001353566.2 and 6 more transcripts); c.-454C>G (NM_001353579.2); c.137C>G (NM_175605.3); short protein forms A37G, A46G.
Identifiers: ClinVar variation 1967664 (VCV001967664.7), dbSNP rs2547942535, ClinGen allele CA387471273.

ClinVar aggregate classification (germline): Uncertain significance. Review status: criteria provided, multiple submitters, no conflicts (2 of 4 stars). 2 submissions from 2 submitters: Uncertain significance (2). Last evaluated 2023-07-17.

Submissions (2):

Labcorp Genetics (formerly Invitae), Labcorp
Classification: Uncertain significance. Last evaluated: 2023-07-17. Review status: criteria provided, single submitter. Criteria: Invitae Variant Classification Sherloc (09022015). Collection method: clinical testing. Allele origin: germline.
Comment: This variant is not present in population databases (gnomAD no frequency). This sequence change replaces alanine, which is neutral and non-polar, with glycine, which is neutral and non-polar, at codon 46 of the IFT88 protein (p.Ala46Gly). This variant has not been reported in the literature in individuals affected with IFT88-related conditions. ClinVar contains an entry for this variant (Variation ID: 1967664). Algorithms developed to predict the effect of missense changes on protein structure and function output the following: SIFT: "Not Available"; PolyPhen-2: "Benign"; Align-GVGD: "Not Available". The glycine amino acid residue is found in multiple mammalian species, which suggests that this missense change does not adversely affect protein function. In summary, the available evidence is currently insufficient to determine the role of this variant in disease. Therefore, it has been classified as a Variant of Uncertain Significance.

Ambry Genetics
Classification: Uncertain significance. Last evaluated: 2023-02-10. Review status: criteria provided, single submitter. Criteria: Ambry Variant Classification Scheme 2023. Collection method: clinical testing. Allele origin: germline.